The following is an entry in ClinVar:

NM_152703.5(SAMD9L):c.2053G>T (p.Glu685Ter)

Gene: SAMD9L (sterile alpha motif domain containing 9 like; minus strand). Cytogenetic location: 7q21.2.
Variant type: single nucleotide variant.
Coding change: c.2053G>T on transcript NM_152703.5 (MANE Select); coding-DNA position 2053, G replaced by T.
Protein change: p.Glu685Ter; replaces glutamic acid 685 with a stop codon.
Molecular consequence: nonsense.
Genome position (GRCh38, 1-based): chr7:93,133,919, C>A on the plus strand (G>T on the coding strand, the complement: SAMD9L is on the minus strand). VCF-style: chr7-93133919-C-A. GRCh37 (hg19) VCF-style: chr7-92763232-C-A.
Other names: c.2053G>T, p.Glu685Ter (NM_001303496.3, NM_001303497.3, NM_001303498.3 and 5 more transcripts); short protein forms E685*.
Identifiers: ClinVar variation 3656131 (VCV003656131.2).
Genomic context (GRCh38, chr7:93,133,919, plus strand): 5'-AGTTTTCAGAAGAAAAATAGAAGTTCCACCAGGATACTTTGCCACCTCGATAAAAGTGTT[C>A]TTCTTTTGATTTCTTAAACTCCAGGAATTTAGATTTGTCTTTCTCGATGTCTGTCTCTGT-3'

ClinVar aggregate classification (germline): Uncertain significance (1 of 4 stars; one submission).

Submission:

Labcorp Genetics (formerly Invitae), Labcorp
Classification: Uncertain significance. Last evaluated: 2024-06-10. Review status: criteria provided, single submitter. Criteria: Invitae Variant Classification Sherloc (09022015). Collection method: clinical testing. Allele origin: germline.
Comment: This sequence change creates a premature translational stop signal (p.Glu685*) in the SAMD9L gene. While this is not anticipated to result in nonsense mediated decay, it is expected to disrupt the last 900 amino acid(s) of the SAMD9L protein. This variant is not present in population databases (gnomAD no frequency). This variant has not been reported in the literature in individuals affected with SAMD9L-related conditions. In summary, the available evidence is currently insufficient to determine the role of this variant in disease. Therefore, it has been classified as a Variant of Uncertain Significance.